The following is an entry in ClinVar:

NM_014915.3(ANKRD26):c.3271A>G (p.Thr1091Ala)

Gene: ANKRD26 (ankyrin repeat domain containing 26; minus strand). Cytogenetic location: 10p12.1.
Variant type: single nucleotide variant.
Coding change: c.3271A>G on transcript NM_014915.3 (MANE Select); coding-DNA position 3271, A replaced by G.
Protein change: p.Thr1091Ala; replaces threonine 1091 with alanine.
Molecular consequence: missense variant.
Genome position (GRCh38, 1-based): chr10:27,035,179, T>C on the plus strand (A>G on the coding strand, the complement: ANKRD26 is on the minus strand). VCF-style: chr10-27035179-T-C. GRCh37 (hg19) VCF-style: chr10-27324108-T-C.
Other names: c.3268A>G, p.Thr1090Ala (NM_001256053.2); short protein forms T1090A, T1091A.
Identifiers: ClinVar variation 4103264 (VCV004103264.1).

ClinVar aggregate classification (germline): Uncertain significance (1 of 4 stars; one submission).

Conditions:
Inborn genetic diseases. Identifiers: MedGen C0950123, MeSH D030342.

gnomAD v4.1: 3 of 1,614,060 alleles (0.00019%); highest among the groups gnomAD compares: Non-Finnish European, 0.00025%; no homozygotes.

Submission:

Ambry Genetics
Classification: Uncertain significance for Inborn genetic diseases. Last evaluated: 2025-07-04. Review status: criteria provided, single submitter. Criteria: Ambry Variant Classification Scheme 2023. Collection method: clinical testing. Allele origin: germline.
Comment: The p.T1091A variant (also known as c.3271A>G), located in coding exon 24 of the ANKRD26 gene, results from an A to G substitution at nucleotide position 3271. The threonine at codon 1091 is replaced by alanine, an amino acid with similar properties. This amino acid position is conserved. In addition, this alteration is predicted to be tolerated by in silico analysis. Based on the available evidence, the clinical significance of this variant remains unclear.